The following is an entry in ClinVar:

ClinVar aggregate classification (germline): Pathogenic (1 of 4 stars; one submission).

Conditions:
Cardiovascular phenotype. Identifiers: MedGen CN230736.

Submission:

Ambry Genetics
Classification: Pathogenic for Cardiovascular phenotype. Last evaluated: 2019-04-14. Review status: criteria provided, single submitter. Criteria: Ambry Variant Classification Scheme 2023. Collection method: clinical testing. Allele origin: germline.
Comment: The c.128_132delGGCCT pathogenic mutation, located in coding exon 2 of the ACVRL1 gene, results from a deletion of 5 nucleotides at nucleotide positions 128 to 132, causing a translational frameshift with a predicted alternate stop codon (p.G43Dfs*124). In addition to the clinical data presented in the literature, this alteration is expected to result in loss of function by premature protein truncation or nonsense-mediated mRNA decay. As such, this alteration is interpreted as a disease-causing mutation.

Literature cited by the submitters: PubMed 16542389.

NM_000020.3(ACVRL1):c.128_132del (p.Gly43fs)

Gene: ACVRL1 (activin A receptor like type 1; plus strand). Cytogenetic location: 12q13.13.
Variant type: Deletion.
Coding change: c.128_132del on transcript NM_000020.3 (MANE Select); coding-DNA positions 128 to 132, 5 bases deleted (GGCCT; older notation c.128_132delGGCCT).
Protein change: p.Gly43fs; shifts the reading frame from glycine 43.
Molecular consequence: frameshift variant.
Genome position (GRCh38, 1-based): chr12:51,913,165-51,913,169, GGCCT deleted. VCF-style (leftmost placement, unchanged base first): chr12-51913164-GGGCCT-G. GRCh37 (hg19) VCF-style: chr12-52306948-GGGCCT-G.
Other names: c.128_132del, p.Gly43fs (NM_001077401.2); c.128_132delGGCCT, p.Gly43Aspfs (NM_001406487.1, NM_001406488.1, NM_001406489.1 and 5 more transcripts); short protein forms G43fs.
Identifiers: ClinVar variation 1767713 (VCV001767713.2), dbSNP rs2540158393, ClinGen allele CA2580086429.